The following is an entry in ClinVar:

NM_001114753.3(ENG):c.1312-3C>G

Genes: ENG (endoglin; minus strand), LOC102723566 (uncharacterized LOC102723566; plus strand). Cytogenetic location: 9q34.11.
Variant type: single nucleotide variant.
Coding change: c.1312-3C>G on transcript NM_001114753.3 (MANE Select); 3 bases into the intron before coding-DNA position 1312, C replaced by G.
Molecular consequence: intron variant.
Genome position (GRCh38, 1-based): chr9:127,818,835, G>C on the plus strand (C>G on the coding strand, the complement: ENG is on the minus strand). VCF-style: chr9-127818835-G-C. GRCh37 (hg19) VCF-style: chr9-130581114-G-C.
Other names: c.1312-3C>G (NM_000118.4); c.766-3C>G (NM_001278138.2).
Identifiers: ClinVar variation 1352569 (VCV001352569.8), dbSNP rs2131877153, ClinGen allele CA2573143980.

ClinVar aggregate classification (germline): Uncertain significance. Review status: reviewed by expert panel (3 of 4 stars). 3 submissions from 3 submitters: Uncertain significance (1). 2 of the submissions do not count toward it. Last evaluated 2024-03-15.

Conditions:
Telangiectasia, hereditary hemorrhagic, type 1 (HHT1). Also called: Osler Weber Rendu syndrome type 1; ENG-Related Hereditary Hemorrhagic Telangiectasia. Identifiers: Orphanet 774, MedGen C4551861, MONDO:0008535, OMIM 187300. Disease mechanism: loss of function.
Hereditary hemorrhagic telangiectasia (HHT). Also called: ORW DISEASE; Osler Weber Rendu syndrome; OSLER-RENDU-WEBER DISEASE; Osler hemorrhagic telangiectasia syndrome. Identifiers: Orphanet 774, MedGen C0039445, MONDO:0019180. Disease mechanism: loss of function.

Submissions (3):

ClinGen Hereditary Hemorrhagic Telangiectasia Variant Curation Expert Panel, ClinGen
Classification: Uncertain significance for Telangiectasia, hereditary hemorrhagic, type 1. Last evaluated: 2024-03-15. Review status: reviewed by expert panel. Criteria: ClinGen HHT ACMG Specifications ENG V1.1.0. Collection method: curation. Allele origin: germline. Inheritance: Autosomal dominant inheritance.
Comment: The NM_001114753.3: c.1312-3C>G variant in ENG is an intronic variant located in intron 10. This variant is absent from gnomAD v2.1.1 (PM2_Supporting). The computational splicing predictor SpliceAI gives a score of 0.21 for acceptor loss, predicting that the variant disrupts the acceptor splice site of intron 10 of ENG (PP3). In summary, this variant meets the criteria to be classified as a variant of uncertain significance for autosomal dominant hereditary hemorrhagic telangiectasia based on the ACMG/AMP criteria applied, as specified by the ClinGen Hereditary Hemorrhagic Telangiectasia Variant Curation Expert Panel: PM2_Supporting, PP3 (specification version 1.0.0; 1/4/2024).

Labcorp Genetics (formerly Invitae), Labcorp
Classification: Uncertain significance for Hereditary hemorrhagic telangiectasia. Last evaluated: 2024-07-03. Review status: criteria provided, single submitter. Criteria: Invitae Variant Classification Sherloc (09022015). Collection method: clinical testing. Allele origin: germline. Not counted in ClinVar's aggregate classification.
Comment: This sequence change falls in intron 10 of the ENG gene. It does not directly change the encoded amino acid sequence of the ENG protein. It affects a nucleotide within the consensus splice site. This variant is not present in population databases (gnomAD no frequency). This variant has not been reported in the literature in individuals affected with ENG-related conditions. ClinVar contains an entry for this variant (Variation ID: 1352569). Variants that disrupt the consensus splice site are a relatively common cause of aberrant splicing (PMID: 17576681, 9536098). Algorithms developed to predict the effect of sequence changes on RNA splicing suggest that this variant may disrupt the consensus splice site. In summary, the available evidence is currently insufficient to determine the role of this variant in disease. Therefore, it has been classified as a Variant of Uncertain Significance.

Clinical Genetics Laboratory, Skane University Hospital Lund
Classification: Uncertain significance. Last evaluated: 2023-06-29. Review status: criteria provided, single submitter. Criteria: ACMG Guidelines, 2015. Collection method: clinical testing. Allele origin: germline. Affected: yes. Not counted in ClinVar's aggregate classification.

Literature cited by the submitters: PubMed 17576681 (cited by Labcorp Genetics (formerly Invitae), Labcorp); PubMed 9536098 (cited by Labcorp Genetics (formerly Invitae), Labcorp).